The following is an entry in ClinVar:

ClinVar aggregate classification (germline): Uncertain significance (1 of 4 stars; one submission).

Allele frequency attached by ClinVar (database versions not stated): gnomAD 0.00001; TOPMed 0.00003; ExAC 0.00005.
gnomAD v4.1: 27 of 1,606,032 alleles (0.0017%); highest among the groups gnomAD compares: Admixed American, 0.034%; no homozygotes.

Submission:

Labcorp Genetics (formerly Invitae), Labcorp
Classification: Uncertain significance. Last evaluated: 2023-11-18. Review status: criteria provided, single submitter. Criteria: Invitae Variant Classification Sherloc (09022015). Collection method: clinical testing. Allele origin: germline.
Comment: This sequence change replaces arginine, which is basic and polar, with tryptophan, which is neutral and slightly polar, at codon 784 of the AXL protein (p.Arg784Trp). This variant is present in population databases (rs763936923, gnomAD 0.04%). This variant has not been reported in the literature in individuals affected with AXL-related conditions. Advanced modeling of protein sequence and biophysical properties (such as structural, functional, and spatial information, amino acid conservation, physicochemical variation, residue mobility, and thermodynamic stability) performed at Invitae indicates that this missense variant is not expected to disrupt AXL protein function with a negative predictive value of 80%. In summary, the available evidence is currently insufficient to determine the role of this variant in disease. Therefore, it has been classified as a Variant of Uncertain Significance.

NM_021913.5(AXL):c.2350C>T (p.Arg784Trp)

Gene: AXL (AXL receptor tyrosine kinase; plus strand). Cytogenetic location: 19q13.2.
Variant type: single nucleotide variant.
Coding change: c.2350C>T on transcript NM_021913.5 (MANE Select); coding-DNA position 2350, C replaced by T.
Protein change: p.Arg784Trp; replaces arginine 784 with tryptophan.
Molecular consequence: missense variant.
Genome position (GRCh38, 1-based): chr19:41,259,569, C>T. VCF-style: chr19-41259569-C-T. GRCh37 (hg19) VCF-style: chr19-41765474-C-T.
Other names: c.1546C>T, p.Arg516Trp (NM_001278599.2); c.2323C>T, p.Arg775Trp (NM_001699.6); short protein forms R516W, R784W, R775W.
Identifiers: ClinVar variation 2744324 (VCV002744324.3), dbSNP rs763936923, ClinGen allele CA9458690.